The following is an entry in ClinVar:

ClinVar aggregate classification (germline): Likely pathogenic (1 of 4 stars; one submission).

Conditions:
Inborn genetic diseases. Identifiers: MedGen C0950123, MeSH D030342.

gnomAD v4.1: 4 of 1,614,034 alleles (0.00025%); highest among the groups gnomAD compares: Non-Finnish European, 0.00034%; no homozygotes.

Submission:

Ambry Genetics
Classification: Likely pathogenic for Inborn genetic diseases. Last evaluated: 2025-04-30. Review status: criteria provided, single submitter. Criteria: Ambry Variant Classification Scheme 2023. Collection method: clinical testing. Allele origin: germline.
Comment: The c.2412-2A>G intronic variant results from an A to G substitution two nucleotides before exon 14 (coding exon 13) of the MADD gene. Alterations that disrupt the canonical splice site are expected to cause aberrant splicing, resulting in an abnormal protein or a transcript that is subject to nonsense-mediated mRNA decay. This variant was not reported in population-based cohorts in the Genome Aggregation Database (gnomAD). This nucleotide position is highly conserved in available vertebrate species. In silico splice site analysis predicts that this alteration will weaken the native splice acceptor site and will result in the creation or strengthening of a novel splice acceptor site. Based on the available evidence, this alteration is classified as likely pathogenic.

NM_001376571.1(MADD):c.2412-2A>G

Gene: MADD (MAP kinase activating death domain; plus strand). Cytogenetic location: 11p11.2.
Variant type: single nucleotide variant.
Coding change: c.2412-2A>G on transcript NM_001376571.1 (MANE Select); the canonical splice acceptor site of the intron before coding-DNA position 2412, A replaced by G.
Molecular consequence: splice acceptor variant. On other transcripts: intron variant (4).
Genome position (GRCh38, 1-based): chr11:47,285,449, A>G. VCF-style: chr11-47285449-A-G. GRCh37 (hg19) VCF-style: chr11-47307000-A-G.
Other names: c.2283-2A>G (NM_001376651.1, NM_001376641.1, NM_001376595.1 and 41 more transcripts); c.2412-2A>G (NM_130470.3, NM_001376576.1, NM_001376614.1 and 31 more transcripts); c.2412-29A>G (NM_001376631.1, NM_001376578.1); c.2208-2A>G (NM_001376648.1, NM_001376620.1, NM_001376626.1 and 1 more transcripts); c.2283-29A>G (NM_001376632.1, NM_001376649.1); c.2259-2A>G (NM_001376602.1); c.2079-2A>G (NM_001376627.1, NM_001376659.1, NM_001376635.1 and 5 more transcripts); c.1746-2A>G (NM_001376663.1).
Identifiers: ClinVar variation 4050437 (VCV004050437.1).